The following is an entry in ClinVar:

NM_013276.4(SHPK):c.311G>T (p.Gly104Val)

Genes: SHPK (sedoheptulokinase; minus strand), LOC126862464 (MED14-independent group 3 enhancer GRCh37_chr17:3526895-3528094; plus strand). Cytogenetic location: 17p13.2.
Variant type: single nucleotide variant.
Coding change: c.311G>T on transcript NM_013276.4 (MANE Select); coding-DNA position 311, G replaced by T.
Protein change: p.Gly104Val; replaces glycine 104 with valine.
Molecular consequence: missense variant.
Genome position (GRCh38, 1-based): chr17:3,624,231, C>A on the plus strand (G>T on the coding strand, the complement: SHPK is on the minus strand). VCF-style: chr17-3624231-C-A. GRCh37 (hg19) VCF-style: chr17-3527525-C-A.
Other names: short protein forms G104V.
Identifiers: ClinVar variation 4806885 (VCV004806885.1).
Genomic context (GRCh38, chr17:3,624,231, plus strand): 5'-AGGTGGCTAACAGCTCGGGGCTCGAACACCGGGGTAATCCCTCCCTCTGTCCATTCACAG[C>A]CTGGAACAAAAGAGATGACCAAAAATGAAGAAAAGAGCAAATGACTAGGCATGGCGCGGC-3'
Protein context (NP_037408.2, residues 94-114): HGVVFWKTGQ[Gly104Val]CEWTEGGITP

ClinVar aggregate classification (germline): Uncertain significance (1 of 4 stars; one submission).

gnomAD v4.1: 2 of 1,604,928 alleles (0.00012%); highest among the groups gnomAD compares: Admixed American, 0.0017%; no homozygotes.

Submission:

Labcorp Genetics (formerly Invitae), Labcorp
Classification: Uncertain significance. Last evaluated: 2025-03-26. Review status: criteria provided, single submitter. Criteria: Invitae Variant Classification Sherloc (09022015). Collection method: clinical testing. Allele origin: germline.
Comment: This sequence change replaces glycine, which is neutral and non-polar, with valine, which is neutral and non-polar, at codon 104 of the SHPK protein (p.Gly104Val). This variant is present in population databases (rs770280318, gnomAD 0.0009%). This variant has not been reported in the literature in individuals affected with SHPK-related conditions. An algorithm developed to predict the effect of missense changes on protein structure and function (PolyPhen-2) suggests that this variant is likely to be disruptive. In summary, the available evidence is currently insufficient to determine the role of this variant in disease. Therefore, it has been classified as a Variant of Uncertain Significance.